The following is an entry in ClinVar:

NM_002907.4(RECQL):c.734T>G (p.Phe245Cys)

Gene: RECQL (RecQ like helicase; minus strand). Cytogenetic location: 12p12.1.
Variant type: single nucleotide variant.
Coding change: c.734T>G on transcript NM_002907.4 (MANE Select); coding-DNA position 734, T replaced by G.
Protein change: p.Phe245Cys; replaces phenylalanine 245 with cysteine.
Molecular consequence: missense variant.
Genome position (GRCh38, 1-based): chr12:21,477,936, A>C on the plus strand (T>G on the coding strand, the complement: RECQL is on the minus strand). VCF-style: chr12-21477936-A-C. GRCh37 (hg19) VCF-style: chr12-21630870-A-C.
Other names: c.734T>G, p.Phe245Cys (NM_032941.3); short protein forms F245C.
Identifiers: ClinVar variation 1758451 (VCV001758451.2), dbSNP rs2540357040, ClinGen allele CA384124948.

ClinVar aggregate classification (germline): Uncertain significance (1 of 4 stars; one submission).

Submission:

Ambry Genetics
Classification: Uncertain significance. Last evaluated: 2021-07-15. Review status: criteria provided, single submitter. Criteria: Ambry Variant Classification Scheme 2023. Collection method: clinical testing. Allele origin: germline.
Comment: The p.F245C variant (also known as c.734T>G), located in coding exon 6 of the RECQL gene, results from a T to G substitution at nucleotide position 734. The phenylalanine at codon 245 is replaced by cysteine, an amino acid with highly dissimilar properties. This amino acid position is conserved. In addition, this alteration is predicted to be deleterious by in silico analysis. Since supporting evidence is limited at this time, the clinical significance of this alteration remains unclear.